The following is an entry in ClinVar:

ClinVar aggregate classification (germline): Uncertain significance (1 of 4 stars; one submission).

Conditions:
Intellectual developmental disorder, X-linked 1. Also called: Atkin Flaitz Patil Smith syndrome; Intellectual disability, X-linked 1; MENTAL RETARDATION, X-LINKED 18; MENTAL RETARDATION, X-LINKED 78. Identifiers: Orphanet 777, MedGen C2931498, MONDO:0010656, OMIM 309530.

Submission:

Labcorp Genetics (formerly Invitae), Labcorp
Classification: Uncertain significance for Intellectual developmental disorder, X-linked 1. Last evaluated: 2022-11-24. Review status: criteria provided, single submitter. Criteria: Invitae Variant Classification Sherloc (09022015). Collection method: clinical testing. Allele origin: germline.
Comment: This variant is not present in population databases (gnomAD no frequency). Experimental studies and prediction algorithms are not available or were not evaluated, and the effect of this variant on mRNA splicing is currently unknown. This variant has not been reported in the literature in individuals affected with IQSEC2-related conditions. This variant is also known as p.Glu335Alafs*15. In summary, the available evidence is currently insufficient to determine the role of this variant in disease. Therefore, it has been classified as a Variant of Uncertain Significance. This sequence change falls in intron 3 of the IQSEC2 gene. It does not directly change the encoded amino acid sequence of the IQSEC2 protein.

NM_001111125.3(IQSEC2):c.1000-6_1001dup

Gene: IQSEC2 (IQ motif and Sec7 domain ArfGEF 2; minus strand). Cytogenetic location: Xp11.22.
Variant type: Duplication.
Coding change: c.1000-6_1001dup on transcript NM_001111125.3 (MANE Select); 6 bases into the intron before coding-DNA position 1000 through coding-DNA position 1001, 8 bases duplicated (TGCCAGGT; older notation c.1000-6_1001dupTGCCAGGT).
Molecular consequence: splice acceptor variant.
Genome position (GRCh38, 1-based): chrX:53,254,930-53,254,937, ACCTGGCA duplicated on the plus strand (TGCCAGGT on the coding strand, the reverse complement: IQSEC2 is on the minus strand). VCF-style (leftmost placement, unchanged base first): chrX-53254929-C-CACCTGGCA. GRCh37 (hg19) VCF-style: chrX-53284111-C-CACCTGGCA.
Other names: c.1000-6_1001dup (NM_001410736.1); c.385-6_386dup (NM_015075.2).
Identifiers: ClinVar variation 2816268 (VCV002816268.3), dbSNP rs2519841660, ClinGen allele CA2739273507.